The following is an entry in ClinVar:

NM_025114.4(CEP290):c.2092A>C (p.Ser698Arg)

Gene: CEP290 (centrosomal protein 290; minus strand). Cytogenetic location: 12q21.32.
Variant type: single nucleotide variant.
Coding change: c.2092A>C on transcript NM_025114.4 (MANE Select); coding-DNA position 2092, A replaced by C.
Protein change: p.Ser698Arg; replaces serine 698 with arginine.
Molecular consequence: missense variant.
Genome position (GRCh38, 1-based): chr12:88,111,819, T>G on the plus strand (A>C on the coding strand, the complement: CEP290 is on the minus strand). VCF-style: chr12-88111819-T-G. GRCh37 (hg19) VCF-style: chr12-88505596-T-G.
Other names: short protein forms S698R.
Identifiers: ClinVar variation 2013716 (VCV002013716.4), dbSNP rs2500766446, ClinGen allele CA385975351.

ClinVar aggregate classification (germline): Uncertain significance (1 of 4 stars; one submission).

Conditions:
Joubert syndrome. Also called: CEREBELLOPARENCHYMAL DISORDER IV; JOUBERT-BOLTSHAUSER SYNDROME; Familial aplasia of the vermis. Identifiers: Orphanet 475, MedGen C5979921, MONDO:0018772.
Meckel-Gruber syndrome. Also called: DYSENCEPHALIA SPLANCHNOCYSTICA; GRUBER SYNDROME; Dysencephalia splachnocystica. Identifiers: Orphanet 564, MedGen C0265215, MONDO:0018921.
Nephronophthisis. Also called: Juvenile Nephronophthisis. Identifiers: Orphanet 655, MedGen C0687120, MONDO:0019005, HP:0000090.

Submission:

Labcorp Genetics (formerly Invitae), Labcorp
Classification: Uncertain significance for Joubert syndrome; Meckel-Gruber syndrome; Nephronophthisis. Last evaluated: 2025-08-22. Review status: criteria provided, single submitter. Criteria: Invitae Variant Classification Sherloc (09022015). Collection method: clinical testing. Allele origin: germline.
Comment: This sequence change replaces serine, which is neutral and polar, with arginine, which is basic and polar, at codon 698 of the CEP290 protein (p.Ser698Arg). This variant is not present in population databases (gnomAD no frequency). This variant has not been reported in the literature in individuals affected with CEP290-related conditions. ClinVar contains an entry for this variant (Variation ID: 2013716). Invitae Evidence Modeling of protein sequence and biophysical properties (such as structural, functional, and spatial information, amino acid conservation, physicochemical variation, residue mobility, and thermodynamic stability) indicates that this missense variant is not expected to disrupt CEP290 protein function with a negative predictive value of 80%. In summary, the available evidence is currently insufficient to determine the role of this variant in disease. Therefore, it has been classified as a Variant of Uncertain Significance.